The following is an entry in ClinVar:

ClinVar aggregate classification (germline): Uncertain significance (1 of 4 stars; one submission).

Allele frequency attached by ClinVar (database versions not stated): TOPMed below 0.00001; gnomAD 0.00001.

Submission:

Ambry Genetics
Classification: Uncertain significance. Last evaluated: 2024-03-16. Review status: criteria provided, single submitter. Criteria: Ambry Variant Classification Scheme 2023. Collection method: clinical testing. Allele origin: germline.
Comment: The p.S347F variant (also known as c.1040C>T), located in coding exon 3 of the TERF2IP gene, results from a C to T substitution at nucleotide position 1040. The serine at codon 347 is replaced by phenylalanine, an amino acid with highly dissimilar properties. This amino acid position is conserved. In addition, this alteration is predicted to be tolerated by in silico analysis. Since supporting evidence is limited at this time, the clinical significance of this alteration remains unclear.

NM_018975.4(TERF2IP):c.1040C>T (p.Ser347Phe)

Gene: TERF2IP (TERF2 interacting protein; plus strand). Cytogenetic location: 16q23.1.
Variant type: single nucleotide variant.
Coding change: c.1040C>T on transcript NM_018975.4 (MANE Select); coding-DNA position 1040, C replaced by T.
Protein change: p.Ser347Phe; replaces serine 347 with phenylalanine.
Molecular consequence: missense variant. On other transcripts: non-coding transcript variant (1).
Genome position (GRCh38, 1-based): chr16:75,656,451, C>T. VCF-style: chr16-75656451-C-T. GRCh37 (hg19) VCF-style: chr16-75690349-C-T.
Other names: short protein forms S347F.
Identifiers: ClinVar variation 1773973 (VCV001773973.2), dbSNP rs1291609019, ClinGen allele CA396820140.